The following is an entry in ClinVar:

ClinVar aggregate classification (germline): Conflicting classifications of pathogenicity. Review status: criteria provided, conflicting classifications (1 of 4 stars). 2 submissions from 2 submitters: Uncertain significance (1); Likely benign (1). Last evaluated 2024-07-29.

Conditions:
HERC1-related disorder. Also called: HERC1-related condition.

Submissions (2):

Labcorp Genetics (formerly Invitae), Labcorp
Classification: Likely benign. Last evaluated: 2024-07-29. Review status: criteria provided, single submitter. Criteria: Invitae Variant Classification Sherloc (09022015). Collection method: clinical testing. Allele origin: germline.

PreventionGenetics, part of Exact Sciences
Classification: Uncertain significance for HERC1-related condition. Last evaluated: 2022-09-23. Review status: criteria provided, single submitter. Criteria: ACMG Guidelines, 2015. Collection method: clinical testing. Allele origin: germline.
Comment: The HERC1 c.9223+9_9223+13del5 variant is predicted to result in an intronic deletion. To our knowledge, this variant has not been reported in the literature. This variant is reported in 0.15% of alleles in individuals of East Asian descent in gnomAD. While we suspect this variant may be benign, at this time, the clinical significance of this variant is uncertain due to the absence of conclusive functional and genetic evidence.

NM_003922.4(HERC1):c.9223+9_9223+13del

Gene: HERC1 (HECT and RLD domain containing E3 ubiquitin protein ligase family member 1; minus strand). Cytogenetic location: 15q22.31.
Variant type: Deletion.
Coding change: c.9223+9_9223+13del on transcript NM_003922.4 (MANE Select); bases 9 to 13 of the intron after coding-DNA position 9223, 5 bases deleted (TTTTG; older notation c.9223+9_9223+13delTTTTG).
Molecular consequence: intron variant.
Genome position (GRCh38, 1-based): chr15:63,660,960-63,660,964, CAAAA deleted on the plus strand (TTTTG on the coding strand, the reverse complement: HERC1 is on the minus strand); deleting any 5 consecutive bases within chr15:63,660,960-63,660,968 gives the same sequence; the c. name uses the placement nearest the transcript's 3' end. VCF-style (leftmost placement, unchanged base first): chr15-63660959-TCAAAA-T. GRCh37 (hg19) VCF-style: chr15-63953158-TCAAAA-T.
Other names: c.9223+9_9223+13del5 (NM_003922.3).
Identifiers: ClinVar variation 1485611 (VCV001485611.7), dbSNP rs746888105, ClinGen allele CA7604772.